The following is an entry in ClinVar:

ClinVar aggregate classification (germline): Likely benign (1 of 4 stars; one submission).

Allele frequency attached by ClinVar (database versions not stated): gnomAD exomes 0.00015.
gnomAD v4.1: 72 of 501,598 alleles (0.014%); highest among the groups gnomAD compares: Non-Finnish European, 0.022%; no homozygotes.

Submission:

CeGaT Center for Human Genetics Tuebingen
Classification: Likely benign. Last evaluated: 2023-01-01. Review status: criteria provided, single submitter. Criteria: CeGaT Center For Human Genetics Tuebingen Variant Classification Criteria Version 2. Collection method: clinical testing. Allele origin: germline. Affected: yes. Observed: 1 variant allele.
Comment: MAP3K15: BS2; PDHA1: BS2

NM_000284.4(PDHA1):c.*1302G>A

Genes: MAP3K15 (mitogen-activated protein kinase kinase kinase 15; minus strand), PDHA1 (pyruvate dehydrogenase E1 subunit alpha 1; plus strand). Cytogenetic location: Xp22.12.
Variant type: single nucleotide variant.
Coding change: c.*1302G>A on transcript NM_000284.4 (MANE Select); 1302 bases downstream of the stop codon, G replaced by A.
Molecular consequence: 3 prime UTR variant. On other transcripts: intron variant (1).
Genome position (GRCh38, 1-based): chrX:19,360,955, G>A. VCF-style: chrX-19360955-G-A. GRCh37 (hg19) VCF-style: chrX-19379073-G-A.
Other names: c.*1302G>A (NM_001173454.2, NM_001173455.2, NM_001173456.2); c.3858-122C>T (NM_001001671.4).
Identifiers: ClinVar variation 2660125 (VCV002660125.24), dbSNP rs995720508, ClinGen allele CA640523047.